The following is an entry in ClinVar:

ClinVar aggregate classification (germline): Uncertain significance (1 of 4 stars; one submission).

Conditions:
Charcot-Marie-Tooth disease dominant intermediate E. Also called: CHARCOT-MARIE-TOOTH NEUROPATHY WITH FOCAL SEGMENTAL GLOMERULONEPHRITIS. Identifiers: Orphanet 93114, MedGen C4302667, MONDO:0013758, OMIM 614455.
Focal segmental glomerulosclerosis 5 (FSGS5). Identifiers: Orphanet 656, MedGen C2750475, MONDO:0013191, OMIM 613237.

Submission:

Labcorp Genetics (formerly Invitae), Labcorp
Classification: Uncertain significance for Charcot-Marie-Tooth disease dominant intermediate E; Focal segmental glomerulosclerosis 5. Last evaluated: 2023-11-14. Review status: criteria provided, single submitter. Criteria: Invitae Variant Classification Sherloc (09022015). Collection method: clinical testing. Allele origin: germline.
Comment: This sequence change replaces glutamic acid, which is acidic and polar, with valine, which is neutral and non-polar, at codon 5 of the INF2 protein (p.Glu5Val). This variant is not present in population databases (gnomAD no frequency). This variant has not been reported in the literature in individuals affected with INF2-related conditions. Advanced modeling of protein sequence and biophysical properties (such as structural, functional, and spatial information, amino acid conservation, physicochemical variation, residue mobility, and thermodynamic stability) has been performed at Invitae for this missense variant, however the output from this modeling did not meet the statistical confidence thresholds required to predict the impact of this variant on INF2 protein function. In summary, the available evidence is currently insufficient to determine the role of this variant in disease. Therefore, it has been classified as a Variant of Uncertain Significance.

NM_022489.4(INF2):c.14A>T (p.Glu5Val)

Gene: INF2 (inverted formin 2; plus strand). Cytogenetic location: 14q32.33.
Variant type: single nucleotide variant.
Coding change: c.14A>T on transcript NM_022489.4 (MANE Select); coding-DNA position 14, A replaced by T.
Protein change: p.Glu5Val; replaces glutamic acid 5 with valine.
Molecular consequence: missense variant.
Genome position (GRCh38, 1-based): chr14:104,701,379, A>T. VCF-style: chr14-104701379-A-T. GRCh37 (hg19) VCF-style: chr14-105167716-A-T.
Other names: c.14A>T, p.Glu5Val (NM_001031714.4, NM_001426862.1, NM_001426863.1 and 6 more transcripts); short protein forms E5V.
Identifiers: ClinVar variation 2953871 (VCV002953871.3), dbSNP rs2504230533, ClinGen allele CA391224330.